The following is an entry in ClinVar:

ClinVar aggregate classification (germline): Uncertain significance (1 of 4 stars; one submission).

Conditions:
Ataxia-telangiectasia syndrome (AT). Also called: LOUIS-BAR SYNDROME; Cerebello-oculocutaneous telangiectasia; Immunodeficiency with ataxia telangiectasia; ATAXIA-TELANGIECTASIA, COMPLEMENTATION GROUP A; ATAXIA-TELANGIECTASIA, FRESNO VARIANT; Ataxia-telangiectasia, complementation group D. Identifiers: Orphanet 100, MedGen C0004135, MONDO:0008840, OMIM 208900.

Submission:

Labcorp Genetics (formerly Invitae), Labcorp
Classification: Uncertain significance for Ataxia-telangiectasia syndrome. Last evaluated: 2024-02-05. Review status: criteria provided, single submitter. Criteria: Invitae Variant Classification Sherloc (09022015). Collection method: clinical testing. Allele origin: germline.
Comment: This sequence change replaces leucine, which is neutral and non-polar, with valine, which is neutral and non-polar, at codon 1910 of the ATM protein (p.Leu1910Val). This variant is not present in population databases (gnomAD no frequency). This variant has not been reported in the literature in individuals affected with ATM-related conditions. ClinVar contains an entry for this variant (Variation ID: 1414623). An algorithm developed to predict the effect of missense changes on protein structure and function (PolyPhen-2) suggests that this variant is likely to be disruptive. In summary, the available evidence is currently insufficient to determine the role of this variant in disease. Therefore, it has been classified as a Variant of Uncertain Significance.

NM_000051.4(ATM):c.5728C>G (p.Leu1910Val)

Gene: ATM (ATM serine/threonine kinase; plus strand). Cytogenetic location: 11q22.3.
Variant type: single nucleotide variant.
Coding change: c.5728C>G on transcript NM_000051.4 (MANE Select); coding-DNA position 5728, C replaced by G.
Protein change: p.Leu1910Val; replaces leucine 1910 with valine.
Molecular consequence: missense variant.
Genome position (GRCh38, 1-based): chr11:108,307,950, C>G. VCF-style: chr11-108307950-C-G. GRCh37 (hg19) VCF-style: chr11-108178677-C-G.
Other names: c.5728C>G, p.Leu1910Val (NM_001351834.2); short protein forms L1910V.
Identifiers: ClinVar variation 1414623 (VCV001414623.6), dbSNP rs143577586, ClinGen allele CA382547956.